The following is an entry in ClinVar:

ClinVar aggregate classification (germline): Uncertain significance (1 of 4 stars; one submission).

Conditions:
Cardiovascular phenotype. Identifiers: MedGen CN230736.

gnomAD v4.1: 2 of 1,613,988 alleles (0.00012%); highest among the groups gnomAD compares: East Asian, 0.0022%; no homozygotes.

Submission:

Ambry Genetics
Classification: Uncertain significance for Cardiovascular phenotype. Last evaluated: 2026-04-09. Review status: criteria provided, single submitter. Criteria: Ambry Variant Classification Scheme 2023. Collection method: clinical testing. Allele origin: germline.
Comment: The p.D491G variant (also known as c.1472A>G), located in coding exon 12 of the ENG gene, results from an A to G substitution at nucleotide position 1472. The aspartic acid at codon 491 is replaced by glycine, an amino acid with similar properties. This amino acid position is conserved. In addition, the in silico prediction for this alteration is inconclusive. Based on the available evidence, the clinical significance of this variant remains unclear.

NM_001114753.3(ENG):c.1472A>G (p.Asp491Gly)

Genes: ENG (endoglin; minus strand), LOC102723566 (uncharacterized LOC102723566; plus strand). Cytogenetic location: 9q34.11.
Variant type: single nucleotide variant.
Coding change: c.1472A>G on transcript NM_001114753.3 (MANE Select); coding-DNA position 1472, A replaced by G.
Protein change: p.Asp491Gly; replaces aspartic acid 491 with glycine.
Molecular consequence: missense variant. On other transcripts: non-coding transcript variant (1).
Genome position (GRCh38, 1-based): chr9:127,818,334, T>C on the plus strand (A>G on the coding strand, the complement: ENG is on the minus strand). VCF-style: chr9-127818334-T-C. GRCh37 (hg19) VCF-style: chr9-130580613-T-C.
Other names: c.1472A>G, p.Asp491Gly (NM_000118.4); c.926A>G, p.Asp309Gly (NM_001278138.2); short protein forms D309G, D491G.
Identifiers: ClinVar variation 4870441 (VCV004870441.1).
Genomic context (GRCh38, chr9:127,818,334, plus strand): 5'-GCCCGGCCCTGGATGAGTTCCACGGTGCCTCCCTCAGGCCCCAAGTCCAGGTGGCAGCTG[T>C]CTAACTGGAGCAGGAACTCGGAGACGGATGGGGACACTCTGACCTGCATGGGTAGGTAGG-3'
Protein context (NP_001108225.1, residues 481-501): PSVSEFLLQL[Asp491Gly]SCHLDLGPEG